The following is an entry in ClinVar:

ClinVar aggregate classification (germline): Uncertain significance (1 of 4 stars; one submission).

Allele frequency attached by ClinVar (database versions not stated): gnomAD exomes below 0.00001.
gnomAD v4.1: 1 of 1,525,758 alleles (0.000066%); highest among the groups gnomAD compares: Non-Finnish European, 0.000091%; no homozygotes.

Submission:

GeneDx
Classification: Uncertain significance. Last evaluated: 2014-01-07. Review status: criteria provided, single submitter. Criteria: GeneDx Variant Classification (06012015). Collection method: clinical testing. Allele origin: germline. Affected: yes.
Comment: This variant is denoted MRE11A IVS6-9C>A or c.545-9C>A and consists of a C>A nucleotide substitution at the -9 position of intron 6 of the MRE11A gene. Multiple in silico prediction programs predict this variant to destroy the nearby natural acceptor site, and to possibly cause abnormal gene splicing. This variant has not, to our knowledge, been published in the literature as pathogenic or benign. On a molecular level, the impact of this missense variant on protein structure and function is not known and thus we consider this to be a variant of uncertain significance. Furthermore, based on the currently available information, cancer risks associated with this variant, and the MRE11A gene, remain unclear.

NM_005591.4(MRE11):c.545-9C>A

Gene: MRE11 (MRE11 homolog, double strand break repair nuclease; minus strand). Cytogenetic location: 11q21.
Variant type: single nucleotide variant.
Coding change: c.545-9C>A on transcript NM_005591.4 (MANE Select); 9 bases into the intron before coding-DNA position 545, C replaced by A.
Molecular consequence: intron variant.
Genome position (GRCh38, 1-based): chr11:94,476,412, G>T on the plus strand (C>A on the coding strand, the complement: MRE11 is on the minus strand). VCF-style: chr11-94476412-G-T. GRCh37 (hg19) VCF-style: chr11-94209578-G-T.
Other names: IVS6-9C>A; c.545-9C>A (NM_001330347.2, NM_005590.4).
Identifiers: ClinVar variation 127984 (VCV000127984.2), dbSNP rs587780142, ClinGen allele CA288180.